The following is an entry in ClinVar:

ClinVar aggregate classification (germline): Uncertain significance. Review status: criteria provided, multiple submitters, no conflicts (2 of 4 stars). 2 submissions from 2 submitters: Uncertain significance (2). Last evaluated 2023-06-22.

Conditions:
Complex cortical dysplasia with other brain malformations 2. Identifiers: MedGen C3809013, MONDO:0014116, OMIM 615282.

Submissions (2):

Neuberg Centre For Genomic Medicine, NCGM
Classification: Uncertain significance for Complex cortical dysplasia with other brain malformations 2. Last evaluated: 2023-06-22. Review status: criteria provided, single submitter. Criteria: ACMG Guidelines, 2015. Collection method: clinical testing. Allele origin: germline. Inheritance: Autosomal dominant inheritance. Affected: yes.
Comment: The observed missense variant c.2672T>Cp.Met891Thr in the KIF5C gene has not been reported previously as a pathogenic variant nor as a benign variant, to our knowledge. This variant is present with the allele frequency of 0% in the gnomAD Exomes. This variant has been submitted to the ClinVar database as Uncertain Significance. Multiple lines of computational evidences Polyphen - Possibly damaging, SIFT - Tolerated and MutationTaster - Disease causing predict conflicting evidence on protein structure and function for this variant. The reference amino acid change at this position on KIF5C gene is predicted as conserved by GERP++ and PhyloP across 100 vertebrates. The amino acid Methionine at position 891 is changed to a Threonine changing protein sequence and it might alter its composition and physico-chemical properties. For these reasons, this variant has been classified as a Variant of Uncertain Significance VUS.

Revvity Omics, Revvity
Classification: Uncertain significance for Complex cortical dysplasia with other brain malformations 2. Last evaluated: 2021-05-07. Review status: criteria provided, single submitter. Criteria: ACMG Guidelines, 2015. Collection method: clinical testing. Allele origin: germline.

NM_004522.3(KIF5C):c.2672T>C (p.Met891Thr)

Gene: KIF5C (kinesin family member 5C; plus strand). Cytogenetic location: 2q23.2.
Variant type: single nucleotide variant.
Coding change: c.2672T>C on transcript NM_004522.3 (MANE Select); coding-DNA position 2672, T replaced by C.
Protein change: p.Met891Thr; replaces methionine 891 with threonine.
Molecular consequence: missense variant. On other transcripts: non-coding transcript variant (1).
Genome position (GRCh38, 1-based): chr2:149,010,256, T>C. VCF-style: chr2-149010256-T-C. GRCh37 (hg19) VCF-style: chr2-149866770-T-C.
Other names: short protein forms M891T.
Identifiers: ClinVar variation 2433156 (VCV002433156.4), dbSNP rs1247905100, ClinGen allele CA348756677.
Genomic context (GRCh38, chr2:149,010,256, plus strand): 5'-CCACGGCGGAGCGCGTCAAGGCTCTGGAGAGCGCGCTGAAGGAGGCCAAGGAGAACGCCA[T>C]GCGGGACCGTAAGCGCTACCAGCAGGAGGTGGATCGTATCAAGGAGGCCGTGCGGGCCAA-3'
Protein context (NP_004513.1, residues 881-901): SALKEAKENA[Met891Thr]RDRKRYQQEV